The following is an entry in ClinVar:

NM_001271.4(CHD2):c.1244G>T (p.Cys415Phe)

Gene: CHD2 (chromodomain helicase DNA binding protein 2; plus strand). Cytogenetic location: 15q26.1.
Variant type: single nucleotide variant.
Coding change: c.1244G>T on transcript NM_001271.4 (MANE Select); coding-DNA position 1244, G replaced by T.
Protein change: p.Cys415Phe; replaces cysteine 415 with phenylalanine.
Molecular consequence: missense variant.
Genome position (GRCh38, 1-based): chr15:92,946,083, G>T. VCF-style: chr15-92946083-G-T. GRCh37 (hg19) VCF-style: chr15-93489313-G-T.
Other names: c.1244G>T, p.Cys415Phe (NM_001042572.3); short protein forms C415F.
Identifiers: ClinVar variation 1805405 (VCV001805405.1), dbSNP rs2505458984, ClinGen allele CA393903684.

ClinVar aggregate classification (germline): Likely pathogenic (1 of 4 stars; one submission).

Conditions:
Developmental and epileptic encephalopathy 94 (DEE94). Also called: CHD2-Related Neurodevelopmental Disorders; Epileptic encephalopathy, childhood-onset. Identifiers: Orphanet 1942, Orphanet 2382, MedGen C3809278, MONDO:0014150, OMIM 615369.

Submission:

Victorian Clinical Genetics Services, Murdoch Childrens Research Institute
Classification: Likely pathogenic for Developmental and epileptic encephalopathy 94. Last evaluated: 2022-03-31. Review status: criteria provided, single submitter. Criteria: ACMG Guidelines, 2015. Collection method: clinical testing. Allele origin: germline. Inheritance: Autosomal dominant inheritance. Affected: yes.
Comment: Based on the classification scheme VCGS_Germline_v1.3.4, this variant is classified as Likely pathogenic. Following criteria are met: 0102 - Loss of function is a known mechanism of disease in this gene and is associated with epileptic encephalopathy, childhood-onset (MIM#615369). (I) 0107 - This gene is associated with autosomal dominant disease. (I) 0200 - Variant is predicted to result in a missense amino acid change from cysteine to phenylalanine. (I) 0254 - This variant is confirmed mosaic. (I) 0301 - Variant is absent from gnomAD (both v2 and v3). (SP) 0501 - Missense variant consistently predicted to be damaging by multiple in silico tools or highly conserved with a major amino acid change. (SP) 0601 - Variant is located in the well-established functional chromodomain, which has been shown to play a role in DNA binding and ATPase activity (PMID: 25384982). (SP) 0710 - Another missense comparable to the one identified in this case has inconclusive previous evidence for pathogenicity. p.(Cys415Arg) has been reported once as a VUS by a clinical laboratory in ClinVar. (I) 0807 - This variant has no previous evidence of pathogenicity. (I) 0905 - No published segregation evidence has been identified for this variant. (I) 1007 - No published functional evidence has been identified for this variant. (SP) Legend: (SP) - Supporting pathogenic, (I) - Information, (SB) - Supporting benign

Literature cited by the submitters: PubMed 25384982.